The following is an entry in ClinVar:

NM_003072.5(SMARCA4):c.*8C>A

Gene: SMARCA4 (SWI/SNF related BAF chromatin remodeling complex subunit ATPase 4; plus strand). Cytogenetic location: 19p13.2.
Variant type: single nucleotide variant.
Coding change: c.*8C>A on transcript NM_003072.5 (MANE Select); 8 bases downstream of the stop codon, C replaced by A.
Molecular consequence: 3 prime UTR variant. On other transcripts: non-coding transcript variant (1).
Genome position (GRCh38, 1-based): chr19:11,061,824, C>A. VCF-style: chr19-11061824-C-A. GRCh37 (hg19) VCF-style: chr19-11172500-C-A.
Other names: c.*8C>A (NM_001128844.3, NM_001128845.2, NM_001128846.2 and 6 more transcripts).
Identifiers: ClinVar variation 3044386 (VCV003044386.2), dbSNP rs938889750, ClinGen allele CA2740091870.

ClinVar aggregate classification (germline): Likely benign (0 of 4 stars; one submission).

Conditions:
SMARCA4-related disorder. Also called: SMARCA4-related condition.

Submission:

PreventionGenetics, part of Exact Sciences
Classification: Likely benign for SMARCA4-related condition. Last evaluated: 2022-04-08. Review status: no assertion criteria provided. Collection method: clinical testing. Allele origin: germline.
Comment: This variant is classified as likely benign based on ACMG/AMP sequence variant interpretation guidelines (Richards et al. 2015 PMID: 25741868, with internal and published modifications).